The following is an entry in ClinVar:

NM_014264.5(PLK4):c.2838C>G (p.Asp946Glu)

Gene: PLK4 (polo like kinase 4; plus strand). Cytogenetic location: 4q28.1.
Variant type: single nucleotide variant.
Coding change: c.2838C>G on transcript NM_014264.5 (MANE Select); coding-DNA position 2838, C replaced by G.
Protein change: p.Asp946Glu; replaces aspartic acid 946 with glutamic acid.
Molecular consequence: missense variant.
Genome position (GRCh38, 1-based): chr4:127,898,466, C>G. VCF-style: chr4-127898466-C-G. GRCh37 (hg19) VCF-style: chr4-128819621-C-G.
Other names: c.2742C>G, p.Asp914Glu (NM_001190799.2); c.2715C>G, p.Asp905Glu (NM_001190801.2); short protein forms D914E, D946E, D905E.
Identifiers: ClinVar variation 1034495 (VCV001034495.5), dbSNP rs1735660014, ClinGen allele CA358165689.

ClinVar aggregate classification (germline): Uncertain significance (1 of 4 stars; one submission).

gnomAD v4.1: 2 of 1,569,562 alleles (0.00013%); highest among the groups gnomAD compares: Non-Finnish European, 0.00017%; no homozygotes.

Submission:

Labcorp Genetics (formerly Invitae), Labcorp
Classification: Uncertain significance. Last evaluated: 2020-09-16. Review status: criteria provided, single submitter. Criteria: Invitae Variant Classification Sherloc (09022015). Collection method: clinical testing. Allele origin: germline.
Comment: In summary, the available evidence is currently insufficient to determine the role of this variant in disease. Therefore, it has been classified as a Variant of Uncertain Significance. Algorithms developed to predict the effect of missense changes on protein structure and function output the following: SIFT: "Tolerated"; PolyPhen-2: "Benign"; Align-GVGD: "Class C0". The glutamic acid amino acid residue is found in multiple mammalian species, suggesting that this missense change does not adversely affect protein function. These predictions have not been confirmed by published functional studies and their clinical significance is uncertain. This variant has not been reported in the literature in individuals with PLK4-related conditions. This variant is not present in population databases (ExAC no frequency). This sequence change replaces aspartic acid with glutamic acid at codon 946 of the PLK4 protein (p.Asp946Glu). The aspartic acid residue is weakly conserved and there is a small physicochemical difference between aspartic acid and glutamic acid.